The following is an entry in ClinVar:

ClinVar aggregate classification (germline): Likely benign (1 of 4 stars; one submission).

Allele frequency attached by ClinVar (database versions not stated): TOPMed 0.00002; gnomAD 0.00001.

Submission:

GeneDx
Classification: Likely benign. Last evaluated: 2018-03-14. Review status: criteria provided, single submitter. Criteria: GeneDx Variant Classification (06012015). Collection method: clinical testing. Allele origin: germline. Affected: yes.
Comment: This variant is considered likely benign or benign based on one or more of the following criteria: it is a conservative change, it occurs at a poorly conserved position in the protein, it is predicted to be benign by multiple in silico algorithms, and/or has population frequency not consistent with disease.

NM_024301.5(FKRP):c.-206G>T

Gene: FKRP (fukutin related protein; plus strand). Cytogenetic location: 19q13.32.
Variant type: single nucleotide variant.
Coding change: c.-206G>T on transcript NM_024301.5 (MANE Select); 206 bases upstream of the start codon, G replaced by T.
Molecular consequence: 5 prime UTR variant.
Genome position (GRCh38, 1-based): chr19:46,748,073, G>T. VCF-style: chr19-46748073-G-T. GRCh37 (hg19) VCF-style: chr19-47251330-G-T.
Other names: c.-258G>T (NM_001039885.3).
Identifiers: ClinVar variation 680349 (VCV000680349.1), dbSNP rs1263835324, ClinGen allele CA882846335.
Genomic context (GRCh38, chr19:46,748,073, plus strand): 5'-TCTCCTCCTCTCAGGAGCGCAGCTCAGCTGGGCTGGAACTGCCCTCCTGGAACTCCCCCA[G>T]CCTACAACCTAGGAGGTAAGAAGTCCCTCAGTGTCACCTACACTCTCATGGAAACTGCCC-3'